The following is an entry in ClinVar:

NM_138576.4(BCL11B):c.906C>A (p.His302Gln)

Gene: BCL11B (BCL11 transcription factor B; minus strand). Cytogenetic location: 14q32.2.
Variant type: single nucleotide variant.
Coding change: c.906C>A on transcript NM_138576.4 (MANE Select); coding-DNA position 906, C replaced by A.
Protein change: p.His302Gln; replaces histidine 302 with glutamine.
Molecular consequence: missense variant.
Genome position (GRCh38, 1-based): chr14:99,175,930, G>T on the plus strand (C>A on the coding strand, the complement: BCL11B is on the minus strand). VCF-style: chr14-99175930-G-T. GRCh37 (hg19) VCF-style: chr14-99642267-G-T.
Other names: c.903C>A, p.His301Gln (NM_001282237.2); c.690C>A, p.His230Gln (NM_001282238.2); c.693C>A, p.His231Gln (NM_022898.3); short protein forms H230Q, H302Q, H231Q, H301Q.
Identifiers: ClinVar variation 1033088 (VCV001033088.1), dbSNP rs1886508540, ClinGen allele CA390936521.
Genomic context (GRCh38, chr14:99,175,930, plus strand): 5'-GCGCGGCGGGGGACTGAAGAGAGGCGGCGTGCCCGGCAGGCGGCCCTCGCCGAAGCCCGG[G>T]TGGTCCCGCAGGATGGGGCCCGTCATGCGCAGCAGGTTGAAGGGGTTGCTGTCGCCCAGG-3'
Protein context (NP_612808.1, residues 292-312): LRMTGPILRD[His302Gln]PGFGEGRLPG

ClinVar aggregate classification (germline): Uncertain significance (1 of 4 stars; one submission).

Conditions:
Immunodeficiency 49 (IMD49). Also called: IMMUNODEFICIENCY 49, SEVERE COMBINED; SEVERE COMBINED IMMUNODEFICIENCY, T CELL-NEGATIVE, B CELL-POSITIVE, NK CELL-POSITIVE, WITH INTELLECTUAL DISABILITY, SPASTICITY, AND CRANIOFACIAL ABNORMALITIES; SCID, T CELL-NEGATIVE, B CELL-POSITIVE, NK CELL-POSITIVE, WITH INTELLECTUAL DISABILITY, SPASTICITY, AND CRANIOFACIAL ABNORMALITIES. Identifiers: MedGen C4310656, MONDO:0014981, OMIM 617237.

Submission:

Baylor Genetics
Classification: Uncertain significance for Immunodeficiency 49. Last evaluated: 2018-06-20. Review status: criteria provided, single submitter. Criteria: ACMG Guidelines, 2015. Collection method: clinical testing. Allele origin: maternal. Affected: yes.
Comment: This variant was determined to be of uncertain significance according to ACMG Guidelines, 2015 [PMID:25741868].